The following is an entry in ClinVar:

NM_000081.4(LYST):c.5291G>T (p.Gly1764Val)

Gene: LYST (lysosomal trafficking regulator; minus strand). Cytogenetic location: 1q42.3.
Variant type: single nucleotide variant.
Coding change: c.5291G>T on transcript NM_000081.4 (MANE Select); coding-DNA position 5291, G replaced by T.
Protein change: p.Gly1764Val; replaces glycine 1764 with valine.
Molecular consequence: missense variant.
Genome position (GRCh38, 1-based): chr1:235,777,232, C>A on the plus strand (G>T on the coding strand, the complement: LYST is on the minus strand). VCF-style: chr1-235777232-C-A. GRCh37 (hg19) VCF-style: chr1-235940532-C-A.
Other names: c.5291G>T, p.Gly1764Val (NM_001301365.1); short protein forms G1764V.
Identifiers: ClinVar variation 1934020 (VCV001934020.3), dbSNP rs35413645, ClinGen allele CA1466655.

ClinVar aggregate classification (germline): Uncertain significance. Review status: criteria provided, multiple submitters, no conflicts (2 of 4 stars). 2 submissions from 2 submitters: Uncertain significance (2). Last evaluated 2022-10-05.

Conditions:
Chédiak-Higashi syndrome (CHS). Also called: Chediak-Higashi Syndrome. Identifiers: Orphanet 167, MedGen C0007965, MONDO:0008963, OMIM 214500.

gnomAD v4.1: 5 of 1,613,402 alleles (0.00031%); highest among the groups gnomAD compares: South Asian, 0.0022%; no homozygotes.

Submissions (2):

Labcorp Genetics (formerly Invitae), Labcorp
Classification: Uncertain significance for Chédiak-Higashi syndrome. Last evaluated: 2022-10-05. Review status: criteria provided, single submitter. Criteria: Invitae Variant Classification Sherloc (09022015). Collection method: clinical testing. Allele origin: germline.
Comment: This sequence change replaces glycine, which is neutral and non-polar, with valine, which is neutral and non-polar, at codon 1764 of the LYST protein (p.Gly1764Val). This variant is present in population databases (rs35413645, gnomAD 0.007%). This variant has not been reported in the literature in individuals affected with LYST-related conditions. Advanced modeling of protein sequence and biophysical properties (such as structural, functional, and spatial information, amino acid conservation, physicochemical variation, residue mobility, and thermodynamic stability) performed at Invitae indicates that this missense variant is not expected to disrupt LYST protein function. In summary, the available evidence is currently insufficient to determine the role of this variant in disease. Therefore, it has been classified as a Variant of Uncertain Significance.

Blueprint Genetics
Classification: Uncertain significance. Last evaluated: 2019-11-12. Review status: criteria provided, single submitter. Criteria: ACMG Guidelines, 2015. Collection method: clinical testing. Allele origin: germline.